The following is an entry in ClinVar:

NM_015046.7(SETX):c.340CTT[1] (p.Leu115del)

Gene: SETX (senataxin; minus strand). Cytogenetic location: 9q34.13.
Variant type: Microsatellite.
Coding change: c.340CTT[1] on transcript NM_015046.7 (MANE Select); one copy of the 3-base unit CTT starting at c.340; the reference has two copies in a row; one copy, 3 bases deleted.
Protein change: p.Leu115del; deletes leucine 115.
Molecular consequence: inframe deletion.
Genome position (GRCh38, 1-based): chr9:132,346,304-132,346,306, AAG deleted on the plus strand (CTT on the coding strand, the reverse complement: SETX is on the minus strand); deleting any 3 consecutive bases within chr9:132,346,304-132,346,310 gives the same sequence; the position shown is the placement nearest the transcript's 3' end. VCF-style (leftmost placement, unchanged base first): chr9-132346303-CAAG-C. GRCh37 (hg19) VCF-style: chr9-135221690-CAAG-C.
Other names: c.340CTT[1], p.Leu115del (NM_001351527.2, NM_001351528.2); short protein forms L115del.
Identifiers: ClinVar variation 2297 (VCV000002297.4), dbSNP rs587776537, ClinGen allele CA252197.
Genomic context (GRCh38, chr9:132,346,303, plus strand): 5'-AACCATCAAGATACTCACTAACACGTTCATGTAGAAGCAAGTAAGGATATTTCAGTATTT[CAAG>C]AAGAGGAACTCGAAGCTTATTTTCAAAGTCTTGCCCAGTGATGTCAAACAGTGGCATCTC-3'

ClinVar aggregate classification (germline): Likely pathogenic. Review status: criteria provided, single submitter (1 of 4 stars). 2 submissions from 2 submitters: Likely pathogenic (1). 1 of the submissions does not count toward it. Last evaluated 2022-05-07.

Conditions:
Inborn genetic diseases. Identifiers: MedGen C0950123, MeSH D030342.
Spinocerebellar ataxia, autosomal recessive, with axonal neuropathy 2 (SCAN2). Also called: Ataxia-ocular apraxia-2; ATAXIA-OCULOMOTOR APRAXIA 2; Ataxia with Oculomotor Apraxia; Ataxia with Oculomotor Apraxia Type 2. Identifiers: Orphanet 64753, MedGen C1853761, MONDO:0018996, OMIM 606002.

Submissions (2):

Ambry Genetics
Classification: Likely pathogenic for Inborn genetic diseases. Last evaluated: 2022-05-07. Review status: criteria provided, single submitter. Criteria: Ambry Variant Classification Scheme 2023. Collection method: clinical testing. Allele origin: germline.
Comment: The c.343_345delCTT variant (also known as p.L115del) is located in coding exon 2 of the SETX gene. This variant results from an in-frame CTT deletion at nucleotide positions 343 to 345. This results in the in-frame deletion of a leucine at codon 115. This alteration was reported as homozygous in two siblings diagnosed with ataxia and sensory neuropathy. Additional features include mild cognitive impairment, distal muscular atrophy, areflexia, nystagmus, myotonic phenomenon at the hands, impairment of vibration and position sense, and resting tremor of the head and upper left limb (Airoldi G et al. Neurogenetics, 2010 Feb;11:91-100). Functional analysis demonstrated that the lymphoblastoid cell lines derived from an affected patient showed sensitivity to DNA-damaging agents. SKNBE cells were transfected with constructs expressing this alteration and showed increased cell death (Airoldi G et al. Neurogenetics, 2010 Feb;11:91-100). This variant is considered to be rare based on population cohorts in the Genome Aggregation Database (gnomAD). This amino acid position is highly conserved in available vertebrate species. In addition, the in silico prediction for this alteration is inconclusive (Choi Y et al. PLoS ONE. 2012; 7(10):e46688). Based on the supporting evidence, this variant is expected to be causative of autosomal recessive spinocerebellar ataxia with axonal neuropathy 2 (SCAN2) when present along with a second pathogenic variant on the other allele; however, its clinical significance for autosomal dominant juvenile amyotrophic lateral sclerosis 4 (ALS4) is unclear.

OMIM
Classification: Pathogenic for SPINOCEREBELLAR ATAXIA, AUTOSOMAL RECESSIVE, WITH AXONAL NEUROPATHY 2. Last evaluated: 2010-02-01. Review status: no assertion criteria provided. Collection method: literature only. Allele origin: germline. Not counted in ClinVar's aggregate classification.

Literature cited by the submitters: PubMed 19593598 (cited by Ambry Genetics and OMIM).